The following is an entry in ClinVar:

ClinVar aggregate classification (germline): Benign. Review status: criteria provided, multiple submitters, no conflicts (2 of 4 stars). 3 submissions from 3 submitters: Benign (3). Last evaluated 2023-04-11.

Conditions:
Pyridoxine-dependent epilepsy (EPEO4). Also called: Pyridoxine-Dependent Seizures; EPILEPSY, EARLY-ONSET, 4, VITAMIN B6-DEPENDENT; PYRIDOXINE DEPENDENCY WITH SEIZURES; Pyridoxine-Dependent Epilepsy - ALDH7A1. Identifiers: Orphanet 3006, MedGen C1849508, MONDO:0009945, OMIM 266100. Disease mechanism: loss of function.

Allele frequency attached by ClinVar (database versions not stated): gnomAD 0.24797 and 0.23917; TOPMed 0.24921; gnomAD exomes 0.11192; 1000 Genomes Project 30x 0.25656; 1000 Genomes Project 0.24641.

Submissions (3):

Genome-Nilou Lab
Classification: Benign for Pyridoxine-dependent epilepsy. Last evaluated: 2023-04-11. Review status: criteria provided, single submitter. Criteria: ACMG Guidelines, 2015. Collection method: clinical testing. Allele origin: germline. Affected: no.

GeneDx
Classification: Benign. Last evaluated: 2018-06-14. Review status: criteria provided, single submitter. Criteria: GeneDx Variant Classification (06012015). Collection method: clinical testing. Allele origin: germline. Affected: yes.
Comment: This variant is considered likely benign or benign based on one or more of the following criteria: it is a conservative change, it occurs at a poorly conserved position in the protein, it is predicted to be benign by multiple in silico algorithms, and/or has population frequency not consistent with disease.

Illumina Laboratory Services, Illumina
Classification: Benign for Pyridoxine-dependent epilepsy. Last evaluated: 2018-01-13. Review status: criteria provided, single submitter. Criteria: ICSL Variant Classification Criteria 13 December 2019. Collection method: clinical testing. Allele origin: germline.
Comment: This variant was observed in the ICSL laboratory as part of a predisposition screen in an ostensibly healthy population. It had not been previously curated by ICSL or reported in the Human Gene Mutation Database (HGMD: prior to June 1st, 2018), and was therefore a candidate for classification through an automated scoring system. Utilizing variant allele frequency, disease prevalence and penetrance estimates, and inheritance mode, an automated score was calculated to assess if this variant is too frequent to cause the disease. Based on the score and internal cut-off values, a variant classified as benign is not then subjected to further curation. The score for this variant resulted in a classification of benign for this disease.

NM_001182.4(ALDH7A1):c.-132A>C

Gene: ALDH7A1 (aldehyde dehydrogenase 7 family member A1; minus strand). Cytogenetic location: 5q23.2.
Variant type: single nucleotide variant.
Coding change: c.-132A>C on transcript NM_001182.4; 132 bases upstream of the start codon, A replaced by C.
Genome position (GRCh38, 1-based): chr5:126,595,330, T>G on the plus strand (A>C on the coding strand, the complement: ALDH7A1 is on the minus strand). VCF-style: chr5-126595330-T-G. GRCh37 (hg19) VCF-style: chr5-125931022-T-G.
Identifiers: ClinVar variation 350591 (VCV000350591.8), dbSNP rs900641, ClinGen allele CA10618893.